The following is an entry in ClinVar:

NM_173842.3(IL1RN):c.145T>C (p.Tyr49His)

Gene: IL1RN (interleukin 1 receptor antagonist; plus strand). Cytogenetic location: 2q14.1.
Variant type: single nucleotide variant.
Coding change: c.145T>C on transcript NM_173842.3 (MANE Select); coding-DNA position 145, T replaced by C.
Protein change: p.Tyr49His; replaces tyrosine 49 with histidine.
Molecular consequence: missense variant.
Genome position (GRCh38, 1-based): chr2:113,129,604, T>C. VCF-style: chr2-113129604-T-C. GRCh37 (hg19) VCF-style: chr2-113887181-T-C.
Other names: c.91T>C, p.Tyr31His (NM_000577.5); c.43T>C, p.Tyr15His (NM_001318914.2, NM_001379360.1, NM_173843.3); c.154T>C, p.Tyr52His (NM_173841.3); short protein forms Y15H, Y52H, Y49H, Y31H.
Identifiers: ClinVar variation 1928421 (VCV001928421.2), dbSNP rs2466954053, ClinGen allele CA348294472.

ClinVar aggregate classification (germline): Uncertain significance (1 of 4 stars; one submission).

Conditions:
Sterile multifocal osteomyelitis with periostitis and pustulosis. Also called: CHRONIC RECURRENT MULTIFOCAL OSTEOMYELITIS 2, WITH PERIOSTITIS AND PUSTULOSIS. Identifiers: Orphanet 210115, MedGen C2748507, MONDO:0013021, OMIM 612852.

Allele frequency attached by ClinVar (database versions not stated): gnomAD exomes below 0.00001.

Submission:

Labcorp Genetics (formerly Invitae), Labcorp
Classification: Uncertain significance for Sterile multifocal osteomyelitis with periostitis and pustulosis. Last evaluated: 2022-04-11. Review status: criteria provided, single submitter. Criteria: Invitae Variant Classification Sherloc (09022015). Collection method: clinical testing. Allele origin: germline.
Comment: This sequence change replaces tyrosine, which is neutral and polar, with histidine, which is basic and polar, at codon 52 of the IL1RN protein (p.Tyr52His). This variant is not present in population databases (gnomAD no frequency). This variant has not been reported in the literature in individuals affected with IL1RN-related conditions. Algorithms developed to predict the effect of missense changes on protein structure and function are either unavailable or do not agree on the potential impact of this missense change (SIFT: "Deleterious"; PolyPhen-2: "Benign"; Align-GVGD: "Class C65"). In summary, the available evidence is currently insufficient to determine the role of this variant in disease. Therefore, it has been classified as a Variant of Uncertain Significance.